The following is an entry in ClinVar:

ClinVar aggregate classification (germline): Likely benign (1 of 4 stars; one submission).

Conditions:
Colorectal cancer, hereditary nonpolyposis, type 7. Identifiers: Orphanet 144, MedGen C1858380, MONDO:0013725, OMIM 614385.

gnomAD v4.1: 2 of 1,613,944 alleles (0.00012%); highest among the groups gnomAD compares: South Asian, 0.0011%; no homozygotes.

Submission:

Myriad Genetics, Inc.
Classification: Likely benign for Colorectal cancer, hereditary nonpolyposis, type 7. Last evaluated: 2026-04-28. Review status: criteria provided, single submitter. Criteria: Myriad Autosomal Dominant, Autosomal Recessive and X-Linked Classification Criteria (2023). Collection method: clinical testing. Allele origin: unknown.
Comment: This variant is considered likely benign. This variant is intronic and is not expected to impact mRNA splicing.

NM_001040108.2(MLH3):c.4012-15G>C

Gene: MLH3 (mutL homolog 3; minus strand). Cytogenetic location: 14q24.3.
Variant type: single nucleotide variant.
Coding change: c.4012-15G>C on transcript NM_001040108.2 (MANE Select); 15 bases into the intron before coding-DNA position 4012, G replaced by C.
Molecular consequence: intron variant.
Genome position (GRCh38, 1-based): chr14:75,022,907, C>G on the plus strand (G>C on the coding strand, the complement: MLH3 is on the minus strand). VCF-style: chr14-75022907-C-G. GRCh37 (hg19) VCF-style: chr14-75489610-C-G.
Other names: c.3940-15G>C (NM_014381.3).
Identifiers: ClinVar variation 4875902 (VCV004875902.1).